The following is an entry in ClinVar:

NM_001267550.2(TTN):c.30512-16T>A

Gene: TTN (titin; minus strand). Cytogenetic location: 2q31.2.
Variant type: single nucleotide variant.
Coding change: c.30512-16T>A on transcript NM_001267550.2 (MANE Select); 16 bases into the intron before coding-DNA position 30512, T replaced by A.
Molecular consequence: intron variant.
Genome position (GRCh38, 1-based): chr2:178,702,082, A>T on the plus strand (T>A on the coding strand, the complement: TTN is on the minus strand). VCF-style: chr2-178702082-A-T. GRCh37 (hg19) VCF-style: chr2-179566809-A-T.
Other names: c.13282+36000T>A (NM_003319.4); c.13858+36000T>A (NM_133437.4); c.13657+36000T>A (NM_133432.3); c.26780-16T>A (NM_133378.4); c.29561-16T>A (NM_001256850.1).
Identifiers: ClinVar variation 513380 (VCV000513380.6), dbSNP rs1553874765, ClinGen allele CA658796042.
Genomic context (GRCh38, chr2:178,702,082, plus strand): 5'-TTTTACAAAACAACTTACCAGGAGGCTTCAGCTCAAGTTTGATTTCTGCAAAATAAAAAA[A>T]AAATGATATTTTTGTGTTCAGAATGGTATAGGTAGGCTACGTGTTTCGAAGATGGCAGGG-3'

ClinVar aggregate classification (germline): Likely benign. Review status: criteria provided, multiple submitters, no conflicts (2 of 4 stars). 2 submissions from 2 submitters: Likely benign (2). Last evaluated 2025-11-25.

Conditions:
Autosomal recessive limb-girdle muscular dystrophy type 2J (LGMDR10). Also called: MUSCULAR DYSTROPHY, LIMB-GIRDLE, AUTOSOMAL RECESSIVE 10; Limb-girdle muscular dystrophy, type 2J. Identifiers: Orphanet 140922, MedGen C1837342, MONDO:0012127, OMIM 608807.
Dilated cardiomyopathy 1G (CMD1G). Identifiers: Orphanet 154, MedGen C1858763, MONDO:0011400, OMIM 604145.

Allele frequency attached by ClinVar (database versions not stated): gnomAD 0.00004; TOPMed 0.00005.
gnomAD v4.1: 6 of 1,612,170 alleles (0.00037%); highest among the groups gnomAD compares: Admixed American, 0.0084%; no homozygotes.

Submissions (2):

Labcorp Genetics (formerly Invitae), Labcorp
Classification: Likely benign for Dilated cardiomyopathy 1G; Autosomal recessive limb-girdle muscular dystrophy type 2J. Last evaluated: 2025-11-25. Review status: criteria provided, single submitter. Criteria: Invitae Variant Classification Sherloc (09022015). Collection method: clinical testing. Allele origin: germline.

GeneDx
Classification: Likely benign. Last evaluated: 2017-11-09. Review status: criteria provided, single submitter. Criteria: GeneDx Variant Classification (06012015). Collection method: clinical testing. Allele origin: germline. Affected: yes.
Comment: This variant is considered likely benign or benign based on one or more of the following criteria: it is a conservative change, it occurs at a poorly conserved position in the protein, it is predicted to be benign by multiple in silico algorithms, and/or has population frequency not consistent with disease.